The following is an entry in ClinVar:

ClinVar aggregate classification (germline): Uncertain significance (1 of 4 stars; one submission).

gnomAD v4.1: 1 of 1,330,076 alleles (0.000075%); highest among the groups gnomAD compares: South Asian, 0.002%; no homozygotes.

Submission:

GeneDx
Classification: Uncertain significance. Last evaluated: 2025-03-17. Review status: criteria provided, single submitter. Criteria: GeneDx Variant Classification Process June 2021. Collection method: clinical testing. Allele origin: germline. Affected: yes.
Comment: Not observed at significant frequency in large population cohorts (gnomAD); In silico analysis indicates that this missense variant does not alter protein structure/function; Has not been previously published as pathogenic or benign to our knowledge

NM_001195.5(BFSP1):c.194A>G (p.His65Arg)

Gene: BFSP1 (beaded filament structural protein 1; minus strand). Cytogenetic location: 20p12.1.
Variant type: single nucleotide variant.
Coding change: c.194A>G on transcript NM_001195.5 (MANE Select); coding-DNA position 194, A replaced by G.
Protein change: p.His65Arg; replaces histidine 65 with arginine.
Molecular consequence: missense variant. On other transcripts: intron variant (4).
Genome position (GRCh38, 1-based): chr20:17,531,136, T>C on the plus strand (A>G on the coding strand, the complement: BFSP1 is on the minus strand). VCF-style: chr20-17531136-T-C. GRCh37 (hg19) VCF-style: chr20-17511781-T-C.
Other names: c.194A>G, p.His65Arg (NM_001424338.1); c.-40-6228A>G (NM_001278608.2, NM_001278606.2); c.45-6228A>G (NM_001278607.2); c.3-6228A>G (NM_001161705.2); short protein forms H65R.
Identifiers: ClinVar variation 4086711 (VCV004086711.1).